The following is an entry in ClinVar:

NM_138694.4(PKHD1):c.10156+22359C>T

Gene: PKHD1 (PKHD1 ciliary IPT domain containing fibrocystin/polyductin; minus strand). Cytogenetic location: 6p12.3.
Variant type: single nucleotide variant.
Coding change: c.10156+22359C>T on transcript NM_138694.4 (MANE Select); 22359 bases into the intron after coding-DNA position 10156, C replaced by T.
Molecular consequence: intron variant.
Genome position (GRCh38, 1-based): chr6:51,722,026, G>A on the plus strand (C>T on the coding strand, the complement: PKHD1 is on the minus strand). VCF-style: chr6-51722026-G-A. GRCh37 (hg19) VCF-style: chr6-51586824-G-A.
Other names: c.10157-6C>T (NM_170724.3).
Identifiers: ClinVar variation 3032241 (VCV003032241.2), dbSNP rs372964178, ClinGen allele CA3851173.

ClinVar aggregate classification (germline): Likely benign (0 of 4 stars; one submission).

Conditions:
PKHD1-related disorder. Also called: PKHD1-related condition.

Allele frequency attached by ClinVar (database versions not stated): gnomAD 0.00003; gnomAD exomes 0.00003; TOPMed 0.00004; ExAC 0.00007; ESP Exome Variant Server 0.00008.
gnomAD v4.1: 47 of 1,613,548 alleles (0.0029%); highest among the groups gnomAD compares: Middle Eastern, 0.05%; no homozygotes.

Submission:

PreventionGenetics, part of Exact Sciences
Classification: Likely benign for PKHD1-related condition. Last evaluated: 2020-09-28. Review status: no assertion criteria provided. Collection method: clinical testing. Allele origin: germline.
Comment: This variant is classified as likely benign based on ACMG/AMP sequence variant interpretation guidelines (Richards et al. 2015 PMID: 25741868, with internal and published modifications).